The following is an entry in ClinVar:

NM_004304.5(ALK):c.1492A>C (p.Thr498Pro)

Gene: ALK (ALK receptor tyrosine kinase; minus strand). Cytogenetic location: 2p23.2.
Variant type: single nucleotide variant.
Coding change: c.1492A>C on transcript NM_004304.5 (MANE Select); coding-DNA position 1492, A replaced by C.
Protein change: p.Thr498Pro; replaces threonine 498 with proline.
Molecular consequence: missense variant.
Genome position (GRCh38, 1-based): chr2:29,320,805, T>G on the plus strand (A>C on the coding strand, the complement: ALK is on the minus strand). VCF-style: chr2-29320805-T-G. GRCh37 (hg19) VCF-style: chr2-29543671-T-G.
Other names: short protein forms T498P.
Identifiers: ClinVar variation 3524378 (VCV003524378.1).

ClinVar aggregate classification (germline): Uncertain significance (1 of 4 stars; one submission).

Conditions:
Hereditary cancer-predisposing syndrome. Also called: Hereditary Cancer Syndrome; Hereditary neoplastic syndrome; Tumor predisposition; Neoplastic Syndromes, Hereditary. Identifiers: Orphanet 140162, MedGen C0027672, MeSH D009386, MONDO:0015356.

Submission:

Ambry Genetics
Classification: Uncertain significance for Hereditary cancer-predisposing syndrome. Last evaluated: 2024-08-19. Review status: criteria provided, single submitter. Criteria: Ambry Variant Classification Scheme 2023. Collection method: clinical testing. Allele origin: germline.
Comment: The p.T498P variant (also known as c.1492A>C), located in coding exon 7 of the ALK gene, results from an A to C substitution at nucleotide position 1492. The threonine at codon 498 is replaced by proline, an amino acid with highly similar properties. This amino acid position is conserved. In addition, this alteration is predicted to be tolerated by in silico analysis. Based on the available evidence, the clinical significance of this variant remains unclear.